The following is an entry in ClinVar:

NM_006206.6(PDGFRA):c.1640T>C (p.Val547Ala)

Gene: PDGFRA (platelet derived growth factor receptor alpha; plus strand). Cytogenetic location: 4q12.
Variant type: single nucleotide variant.
Coding change: c.1640T>C on transcript NM_006206.6 (MANE Select); coding-DNA position 1640, T replaced by C.
Protein change: p.Val547Ala; replaces valine 547 with alanine.
Molecular consequence: missense variant.
Genome position (GRCh38, 1-based): chr4:54,274,612, T>C. VCF-style: chr4-54274612-T-C. GRCh37 (hg19) VCF-style: chr4-55140779-T-C.
Other names: c.1640T>C, p.Val547Ala (NM_001347827.2, NM_001347829.2); c.1715T>C, p.Val572Ala (NM_001347828.2); c.1679T>C, p.Val560Ala (NM_001347830.2); short protein forms V560A, V547A, V572A.
Identifiers: ClinVar variation 819728 (VCV000819728.15), dbSNP rs1577726261, ClinGen allele CA356892975.
Genomic context (GRCh38, chr4:54,274,612, plus strand): 5'-TGGCTGCTGCAGTCCTGGTGCTGTTGGTGATTGTGATCATCTCACTTATTGTCCTGGTTG[T>C]CATTTGGAAACAGGTAGATATTTTCTCATAAAACTAAAGATCTTTGAAGCCAATGAGAAC-3'
Protein context (NP_006197.1, residues 537-557): IVIISLIVLV[Val547Ala]IWKQKPRYEI

ClinVar aggregate classification (germline): Uncertain significance. Review status: criteria provided, multiple submitters, no conflicts (2 of 4 stars). 2 submissions from 2 submitters: Uncertain significance (2). Last evaluated 2025-06-09.

Conditions:
Gastrointestinal stromal tumor. Also called: Gastrointestinal stromal tumor, somatic; Gastrointestinal stroma tumor. Identifiers: Orphanet 44890, MedGen C0238198, MeSH D046152, MONDO:0011719, OMIM 606764, HP:0100723.
Hereditary cancer-predisposing syndrome. Also called: Neoplastic Syndromes, Hereditary; Hereditary Cancer Syndrome; Hereditary neoplastic syndrome; Tumor predisposition. Identifiers: Orphanet 140162, MedGen C0027672, MeSH D009386, MONDO:0015356.

Allele frequency attached by ClinVar (database versions not stated): TOPMed below 0.00001; gnomAD 0.00001; gnomAD exomes 0.00002.
gnomAD v4.1: 26 of 1,611,702 alleles (0.0016%); highest among the groups gnomAD compares: Non-Finnish European, 0.0021%; no homozygotes.

Submissions (2):

Labcorp Genetics (formerly Invitae), Labcorp
Classification: Uncertain significance for Gastrointestinal stromal tumor. Last evaluated: 2025-06-09. Review status: criteria provided, single submitter. Criteria: Invitae Variant Classification Sherloc (09022015). Collection method: clinical testing. Allele origin: germline.
Comment: This sequence change replaces valine, which is neutral and non-polar, with alanine, which is neutral and non-polar, at codon 547 of the PDGFRA protein (p.Val547Ala). This variant is not present in population databases (gnomAD no frequency). This variant has not been reported in the literature in individuals affected with PDGFRA-related conditions. ClinVar contains an entry for this variant (Variation ID: 819728). Invitae Evidence Modeling of protein sequence and biophysical properties (such as structural, functional, and spatial information, amino acid conservation, physicochemical variation, residue mobility, and thermodynamic stability) indicates that this missense variant is not expected to disrupt PDGFRA protein function with a negative predictive value of 80%. In summary, the available evidence is currently insufficient to determine the role of this variant in disease. Therefore, it has been classified as a Variant of Uncertain Significance.

Ambry Genetics
Classification: Uncertain significance for Hereditary cancer-predisposing syndrome. Last evaluated: 2024-09-30. Review status: criteria provided, single submitter. Criteria: Ambry Variant Classification Scheme 2023. Collection method: clinical testing. Allele origin: germline.
Comment: The p.V547A variant (also known as c.1640T>C), located in coding exon 10 of the PDGFRA gene, results from a T to C substitution at nucleotide position 1640. The valine at codon 547 is replaced by alanine, an amino acid with similar properties. This amino acid position is well conserved in available vertebrate species. In addition, the in silico prediction for this alteration is inconclusive. Since supporting evidence is limited at this time, the clinical significance of this alteration remains unclear.